The following is an entry in ClinVar:

ClinVar aggregate classification (germline): Likely pathogenic. Review status: criteria provided, multiple submitters, no conflicts (2 of 4 stars). 2 submissions from 2 submitters: Likely pathogenic (2). Last evaluated 2025-09-11.

Conditions:
Retinitis pigmentosa (RP). Identifiers: Orphanet 791, MedGen C0035334, MeSH D012174, MONDO:0019200, OMIM 268000. Inheritance: Autosomal dominant, autosomal recessive and X linked inheritance.

Allele frequency attached by ClinVar (database versions not stated): gnomAD exomes 0.00001 and below 0.00001; ESP Exome Variant Server 0.00008; TOPMed below 0.00001; ExAC 0.00001; gnomAD 0.00001.
gnomAD v4.1: 7 of 1,614,092 alleles (0.00043%); highest among the groups gnomAD compares: Non-Finnish European, 0.00059%; no homozygotes.

Submissions (2):

Women's Health and Genetics/Laboratory Corporation of America, LabCorp
Classification: Likely pathogenic for Retinitis pigmentosa. Last evaluated: 2025-09-11. Review status: criteria provided, single submitter. Criteria: LabCorp Variant Classification Summary - May 2015. Collection method: clinical testing. Allele origin: germline.
Comment: Variant summary: ABCA4 c.2942C>T (p.Pro981Leu) results in a non-conservative amino acid change in the encoded protein sequence. Algorithms developed to predict the effect of missense changes on protein structure and function all suggest that this variant is likely to be disruptive. The variant allele was found at a frequency of 8e-06 in 251492 control chromosomes. c.2942C>T has been observed in the presumed compound heterozygous state in at least 2 individual(s) affected with clinical features of Retinitis Pigmentosa, inherited retinal dystrophy, and/or Stargardt disease (example, Fujinami_2013, Griffith_2022, Fujinami_2019, Cornelis_2022, Lin_2024), however in some of these individuals the 2nd variant was not specified. These data indicate that the variant may be associated with disease. To our knowledge, no experimental evidence demonstrating an impact on protein function has been reported. The following publications have been ascertained in the context of this evaluation (PMID: 23982839, 36011402, 29925512, 35120629, 38219857, 31964843). ClinVar contains an entry for this variant (Variation ID: 1476496). Based on the evidence outlined above, the variant was classified as likely pathogenic.

Labcorp Genetics (formerly Invitae), Labcorp
Classification: Likely pathogenic. Last evaluated: 2023-09-14. Review status: criteria provided, single submitter. Criteria: Invitae Variant Classification Sherloc (09022015). Collection method: clinical testing. Allele origin: germline.
Comment: In summary, the currently available evidence indicates that the variant is pathogenic, but additional data are needed to prove that conclusively. Therefore, this variant has been classified as Likely Pathogenic. This sequence change replaces proline, which is neutral and non-polar, with leucine, which is neutral and non-polar, at codon 981 of the ABCA4 protein (p.Pro981Leu). This variant is present in population databases (rs147826775, gnomAD 0.002%). This missense change has been observed in individual(s) with Stargardt disease (PMID: 29925512). ClinVar contains an entry for this variant (Variation ID: 1476496). Advanced modeling of protein sequence and biophysical properties (such as structural, functional, and spatial information, amino acid conservation, physicochemical variation, residue mobility, and thermodynamic stability) performed at Invitae indicates that this missense variant is expected to disrupt ABCA4 protein function.

Literature cited by the submitters: PubMed 29925512 (cited by Women's Health and Genetics/Laboratory Corporation of America, LabCorp and Labcorp Genetics (formerly Invitae), Labcorp); PubMed 31964843 (cited by Women's Health and Genetics/Laboratory Corporation of America, LabCorp); PubMed 23982839 (cited by Women's Health and Genetics/Laboratory Corporation of America, LabCorp); PubMed 35120629 (cited by Women's Health and Genetics/Laboratory Corporation of America, LabCorp); PubMed 36011402 (cited by Women's Health and Genetics/Laboratory Corporation of America, LabCorp); PubMed 38219857 (cited by Women's Health and Genetics/Laboratory Corporation of America, LabCorp).

NM_000350.3(ABCA4):c.2942C>T (p.Pro981Leu)

Gene: ABCA4 (ATP binding cassette subfamily A member 4; minus strand). Cytogenetic location: 1p22.1.
Variant type: single nucleotide variant.
Coding change: c.2942C>T on transcript NM_000350.3 (MANE Select); coding-DNA position 2942, C replaced by T.
Protein change: p.Pro981Leu; replaces proline 981 with leucine.
Molecular consequence: missense variant.
Genome position (GRCh38, 1-based): chr1:94,044,721, G>A on the plus strand (C>T on the coding strand, the complement: ABCA4 is on the minus strand). VCF-style: chr1-94044721-G-A. GRCh37 (hg19) VCF-style: chr1-94510277-G-A.
Other names: c.2720C>T, p.Pro907Leu (NM_001425324.1); short protein forms P981L, P907L.
Identifiers: ClinVar variation 1476496 (VCV001476496.9), dbSNP rs147826775, ClinGen allele CA958088.
Genomic context (GRCh38, chr1:94,044,721, plus strand): 5'-ACTGCATCCAGGCTGGTTTCAATGTCCCTTCCCCCAACGAGCACAGTCCCAGAGGTTGGT[G>A]GCAACAGACCCGTCAGGATGGACCTGCAGAACACAGGCGTCAGTGGCAGAAGAGATGGCC-3'
Protein context (NP_000341.2, residues 971-991): TTLSILTGLL[Pro981Leu]PTSGTVLVGG